The following is an entry in ClinVar:

ClinVar aggregate classification (germline): Uncertain significance (1 of 4 stars; one submission).

Conditions:
Brugada syndrome. Also called: Sudden unexplained nocturnal death syndrome; Sudden unexpected nocturnal death syndrome; Sudden Unexplained Death Syndrome; Sudden Unexplained Nocturnal Death Syndrome (SUNDS). Identifiers: Orphanet 130, MedGen C1142166, MONDO:0015263.

Submission:

Labcorp Genetics (formerly Invitae), Labcorp
Classification: Uncertain significance for Brugada syndrome. Last evaluated: 2024-05-19. Review status: criteria provided, single submitter. Criteria: Invitae Variant Classification Sherloc (09022015). Collection method: clinical testing. Allele origin: germline.
Comment: This sequence change replaces leucine, which is neutral and non-polar, with isoleucine, which is neutral and non-polar, at codon 235 of the CACNA2D1 protein (p.Leu235Ile). This variant is not present in population databases (gnomAD no frequency). This variant has not been reported in the literature in individuals affected with CACNA2D1-related conditions. An algorithm developed to predict the effect of missense changes on protein structure and function (PolyPhen-2) suggests that this variant is likely to be disruptive. In summary, the available evidence is currently insufficient to determine the role of this variant in disease. Therefore, it has been classified as a Variant of Uncertain Significance.

NM_000722.4(CACNA2D1):c.703C>A (p.Leu235Ile)

Gene: CACNA2D1 (calcium voltage-gated channel auxiliary subunit alpha2delta 1; minus strand). Cytogenetic location: 7q21.11.
Variant type: single nucleotide variant.
Coding change: c.703C>A on transcript NM_000722.4 (MANE Select); coding-DNA position 703, C replaced by A.
Protein change: p.Leu235Ile; replaces leucine 235 with isoleucine.
Molecular consequence: missense variant.
Genome position (GRCh38, 1-based): chr7:82,066,480, G>T on the plus strand (C>A on the coding strand, the complement: CACNA2D1 is on the minus strand). VCF-style: chr7-82066480-G-T. GRCh37 (hg19) VCF-style: chr7-81695796-G-T.
Other names: c.703C>A, p.Leu235Ile (NM_001302890.2, NM_001366867.1); short protein forms L235I.
Identifiers: ClinVar variation 3653838 (VCV003653838.2).